The following is an entry in ClinVar:

NM_144596.4(TTC8):c.264A>G (p.Pro88=)

Gene: TTC8 (tetratricopeptide repeat domain 8; plus strand). Cytogenetic location: 14q31.3.
Variant type: single nucleotide variant.
Coding change: c.264A>G on transcript NM_144596.4 (MANE Select); coding-DNA position 264, A replaced by G.
Protein change: p.Pro88=; no amino-acid change (proline 88 retained).
Molecular consequence: synonymous variant. On other transcripts: 5 prime UTR variant (2), non-coding transcript variant (1).
Genome position (GRCh38, 1-based): chr14:88,839,571, A>G. VCF-style: chr14-88839571-A-G. GRCh37 (hg19) VCF-style: chr14-89305915-A-G.
Other names: c.234A>G, p.Pro78= (NM_001288781.1, NM_001366535.2, NM_001366536.2 and 2 more transcripts); c.-329A>G (NM_001288782.1); c.-424A>G (NM_001288783.1).
Identifiers: ClinVar variation 3658465 (VCV003658465.4).

ClinVar aggregate classification (germline): Conflicting classifications of pathogenicity. Review status: criteria provided, conflicting classifications (1 of 4 stars). 2 submissions from 2 submitters: Uncertain significance (1); Likely benign (1). Last evaluated 2026-03-01.

Conditions:
Bardet-Biedl syndrome (BBS). Identifiers: Orphanet 110, MedGen C0752166, MONDO:0015229.

gnomAD v4.1: 2 of 1,613,074 alleles (0.00012%); highest among the groups gnomAD compares: Non-Finnish European, 0.00017%; no homozygotes.

Submissions (2):

CeGaT Center for Human Genetics Tuebingen
Classification: Likely benign. Last evaluated: 2026-03-01. Review status: criteria provided, single submitter. Criteria: CeGaT Center For Human Genetics Tuebingen Variant Classification Criteria Version 2. Collection method: clinical testing. Allele origin: germline. Affected: yes. Observed: 1 variant allele.
Comment: TTC8: BP4, BP7

Labcorp Genetics (formerly Invitae), Labcorp
Classification: Uncertain significance for Bardet-Biedl syndrome. Last evaluated: 2024-12-08. Review status: criteria provided, single submitter. Criteria: Invitae Variant Classification Sherloc (09022015). Collection method: clinical testing. Allele origin: germline.
Comment: This sequence change affects codon 78 of the TTC8 mRNA. It is a 'silent' change, meaning that it does not change the encoded amino acid sequence of the TTC8 protein. It affects a nucleotide within the consensus splice site. This variant is not present in population databases (gnomAD no frequency). This variant has not been reported in the literature in individuals affected with TTC8-related conditions. Algorithms developed to predict the effect of sequence changes on RNA splicing suggest that this variant is not likely to affect RNA splicing. In summary, the available evidence is currently insufficient to determine the role of this variant in disease. Therefore, it has been classified as a Variant of Uncertain Significance.